The following is an entry in ClinVar:

NM_000285.4(PEPD):c.829A>G (p.Met277Val)

Gene: PEPD (peptidase D; minus strand). Cytogenetic location: 19q13.11.
Variant type: single nucleotide variant.
Coding change: c.829A>G on transcript NM_000285.4 (MANE Select); coding-DNA position 829, A replaced by G.
Protein change: p.Met277Val; replaces methionine 277 with valine.
Molecular consequence: missense variant.
Genome position (GRCh38, 1-based): chr19:33,401,859, T>C on the plus strand (A>G on the coding strand, the complement: PEPD is on the minus strand). VCF-style: chr19-33401859-T-C. GRCh37 (hg19) VCF-style: chr19-33892765-T-C.
Other names: c.706A>G, p.Met236Val (NM_001166056.2); c.637A>G, p.Met213Val (NM_001166057.2); short protein forms M213V, M236V, M277V.
Identifiers: ClinVar variation 2844743 (VCV002844743.3), dbSNP rs374795227, ClinGen allele CA405224783.
Genomic context (GRCh38, chr19:33,401,859, plus strand): 5'-TGCCGTTGGCGGGAAAGGAGCAGGTGATGTCGGAAGCGAAGCAGTAATACTCACCGCCCA[T>C]GTCGAACAGGCTGCGGAGAGAGGAAGGCAGGGCAAGTGGGTACTGGGGTGCCACCGCCCC-3'
Protein context (NP_000276.2, residues 267-287): IQNGDMCLFD[Met277Val]GGEYYCFASD

ClinVar aggregate classification (germline): Uncertain significance (1 of 4 stars; one submission).

gnomAD v4.1: 2 of 1,613,008 alleles (0.00012%); highest among the groups gnomAD compares: Non-Finnish European, 0.000085%; no homozygotes.

Submission:

Labcorp Genetics (formerly Invitae), Labcorp
Classification: Uncertain significance. Last evaluated: 2024-10-08. Review status: criteria provided, single submitter. Criteria: Invitae Variant Classification Sherloc (09022015). Collection method: clinical testing. Allele origin: germline.
Comment: This sequence change replaces methionine, which is neutral and non-polar, with valine, which is neutral and non-polar, at codon 277 of the PEPD protein (p.Met277Val). This variant is not present in population databases (gnomAD no frequency). This variant has not been reported in the literature in individuals affected with PEPD-related conditions. Invitae Evidence Modeling of protein sequence and biophysical properties (such as structural, functional, and spatial information, amino acid conservation, physicochemical variation, residue mobility, and thermodynamic stability) has been performed for this missense variant. However, the output from this modeling did not meet the statistical confidence thresholds required to predict the impact of this variant on PEPD protein function. In summary, the available evidence is currently insufficient to determine the role of this variant in disease. Therefore, it has been classified as a Variant of Uncertain Significance.